The following is an entry in ClinVar:

NM_004655.4(AXIN2):c.1713-5C>T

Gene: AXIN2 (axin 2; minus strand). Cytogenetic location: 17q24.1.
Variant type: single nucleotide variant.
Coding change: c.1713-5C>T on transcript NM_004655.4 (MANE Select); 5 bases into the intron before coding-DNA position 1713, C replaced by T.
Molecular consequence: intron variant.
Genome position (GRCh38, 1-based): chr17:65,537,068, G>A on the plus strand (C>T on the coding strand, the complement: AXIN2 is on the minus strand). VCF-style: chr17-65537068-G-A. GRCh37 (hg19) VCF-style: chr17-63533186-G-A.
Other names: c.1713-5C>T (LRG_296t1); c.1712+256C>T (NM_001363813.1).
Identifiers: ClinVar variation 533245 (VCV000533245.18), dbSNP rs751548566, ClinGen allele CA8718547.

ClinVar aggregate classification (germline): Conflicting classifications of pathogenicity. Review status: criteria provided, conflicting classifications (1 of 4 stars). 4 submissions from 4 submitters: Uncertain significance (2); Likely benign (2). Last evaluated 2025-08-07.

Conditions:
Hereditary cancer-predisposing syndrome. Also called: Hereditary neoplastic syndrome; Neoplastic Syndromes, Hereditary; Tumor predisposition; Hereditary Cancer Syndrome. Identifiers: Orphanet 140162, MedGen C0027672, MeSH D009386, MONDO:0015356.
Oligodontia-cancer predisposition syndrome. Also called: TOOTH AGENESIS-COLORECTAL CANCER SYNDROME. Identifiers: Orphanet 300576, MedGen C1837750, MONDO:0012075, OMIM 608615. Disease mechanism: loss of function.

Allele frequency attached by ClinVar (database versions not stated): TOPMed 0.00001; ExAC 0.00002.

Submissions (4):

Labcorp Genetics (formerly Invitae), Labcorp
Classification: Likely benign for Oligodontia-cancer predisposition syndrome. Last evaluated: 2025-08-07. Review status: criteria provided, single submitter. Criteria: Invitae Variant Classification Sherloc (09022015). Collection method: clinical testing. Allele origin: germline.

Quest Diagnostics Nichols Institute San Juan Capistrano
Classification: Uncertain significance. Last evaluated: 2024-10-12. Review status: criteria provided, single submitter. Criteria: Quest Diagnostics criteria. Collection method: clinical testing. Allele origin: unknown.
Comment: The AXIN2 c.1713-5C>T variant has not been reported in individuals with AXIN2-related conditions in the published literature. The frequency of this variant in the general population, 0.0000087 (2/230146 chromosomes (Genome Aggregation Database)), is uninformative in the assessment of its pathogenicity. Analysis of this variant using software algorithms for the prediction of the effect of nucleotide changes on splicing yielded predictions that this variant does not affect AXIN2 mRNA splicing. Based on the available information, we are unable to determine the clinical significance of this variant.

Myriad Genetics, Inc.
Classification: Likely benign for Oligodontia-cancer predisposition syndrome. Last evaluated: 2024-07-08. Review status: criteria provided, single submitter. Criteria: Myriad Autosomal Dominant, Autosomal Recessive and X-Linked Classification Criteria (2023). Collection method: clinical testing. Allele origin: unknown.
Comment: This variant is considered likely benign. This variant is intronic and is not expected to impact mRNA splicing.

Ambry Genetics
Classification: Uncertain significance for Hereditary cancer-predisposing syndrome. Last evaluated: 2023-12-07. Review status: criteria provided, single submitter. Criteria: Ambry Variant Classification Scheme 2023. Collection method: clinical testing. Allele origin: germline.
Comment: The c.1713-5C>T intronic variant results from a C to T substitution 5 nucleotides upstream from coding exon 6 in the AXIN2 gene. This nucleotide position is not well conserved in available vertebrate species. In silico splice site analysis predicts that this alteration will not have any significant effect on splicing. Since supporting evidence is limited at this time, the clinical significance of this alteration remains unclear.